The following is an entry in ClinVar:

ClinVar aggregate classification (germline): Uncertain significance (1 of 4 stars; one submission).

Conditions:
Lissencephaly 10. Identifiers: MedGen C5394354, MONDO:0030031, OMIM 618873.

Submission:

3billion
Classification: Uncertain significance for Lissencephaly 10. Last evaluated: 2025-09-01. Review status: criteria provided, single submitter. Criteria: ACMG Guidelines, 2015. Collection method: clinical testing. Allele origin: germline. Affected: yes.
Comment: The variant is not observed in the gnomAD v4.1.0 dataset. Predicted Consequence/Location: Missense variant In silico tool predictions suggest no damaging effect of the variant on gene or gene product [REVEL: 0.16 (<0.4); 3Cnet: 0.00 (<0.1, specificity 0.84 and negative predicitive value 0.97)]. Therefore, this variant is classified as VUS according to the recommendation of ACMG/AMP guideline.

NM_001042475.3(CEP85L):c.10C>T (p.Arg4Cys)

Genes: CEP85L (centrosomal protein 85L; minus strand), LOC129997071 (ATAC-STARR-seq lymphoblastoid silent region 17501; plus strand). Cytogenetic location: 6q22.31.
Variant type: single nucleotide variant.
Coding change: c.10C>T on transcript NM_001042475.3 (MANE Select); coding-DNA position 10, C replaced by T.
Protein change: p.Arg4Cys; replaces arginine 4 with cysteine.
Molecular consequence: missense variant. On other transcripts: intron variant (1).
Genome position (GRCh38, 1-based): chr6:118,651,260, G>A on the plus strand (C>T on the coding strand, the complement: CEP85L is on the minus strand). VCF-style: chr6-118651260-G-A. GRCh37 (hg19) VCF-style: chr6-118972423-G-A.
Other names: c.10C>T, p.Arg4Cys (NM_206921.3); c.82+1440C>T (NM_001178035.2); short protein forms R4C.
Identifiers: ClinVar variation 4854809 (VCV004854809.1).
Genomic context (GRCh38, chr6:118,651,260, plus strand): 5'-CAGGGAAGCTGCGGGCTCCGCCGGGGCTATCCCGGCCGCTGGCCTCCGGAGCCAGGAAGC[G>A]CCCCCACATCGCGGGCGAGAGGGCCGGGTGGGCCAGGGACGCCCGACTCCTCACGTCCGT-3'
Protein context (NP_001035940.1, residues 1-14): MWG[Arg4Cys]FLAPEASGRD